The following is an entry in ClinVar:

NM_000238.4(KCNH2):c.1018T>C (p.Phe340Leu)

Gene: KCNH2 (potassium voltage-gated channel subfamily H member 2; minus strand). Cytogenetic location: 7q36.1.
Variant type: single nucleotide variant.
Coding change: c.1018T>C on transcript NM_000238.4 (MANE Select); coding-DNA position 1018, T replaced by C.
Protein change: p.Phe340Leu; replaces phenylalanine 340 with leucine.
Molecular consequence: missense variant.
Genome position (GRCh38, 1-based): chr7:150,957,401, A>G on the plus strand (T>C on the coding strand, the complement: KCNH2 is on the minus strand). VCF-style: chr7-150957401-A-G. GRCh37 (hg19) VCF-style: chr7-150654489-A-G.
Other names: c.730T>C, p.Phe244Leu (NM_001406753.1, NM_001406756.1); c.841T>C, p.Phe281Leu (NM_001406755.1); c.718T>C, p.Phe240Leu (NM_001406757.1); c.1018T>C, p.Phe340Leu (NM_172056.3); short protein forms F340L, F244L, F281L, F240L.
Identifiers: ClinVar variation 1332429 (VCV001332429.5), dbSNP rs2116998146, ClinGen allele CA369861642.
Genomic context (GRCh38, chr7:150,957,401, plus strand): 5'-CTATGATCTCACGGTCACTGGTGGGCGAAGCCAAGAAGGGGTCGCCCTTGAGGTCCACAA[A>G]GTTGAGGGTGATTTGGGGAATCTTGCTAATGGTGCGGTAGCGCACGAGGTCGGAGTCCGA-3'
Protein context (NP_000229.1, residues 330-350): ISKIPQITLN[Phe340Leu]VDLKGDPFLA

ClinVar aggregate classification (germline): Uncertain significance (1 of 4 stars; one submission).

Conditions:
Cardiac arrhythmia. Also called: Arrhythmia; Cardiac rhythm disease. Identifiers: MedGen C0003811, MONDO:0007263, HP:0011675.

Submission:

Color Diagnostics, LLC DBA Color Health
Classification: Uncertain significance for Cardiac arrhythmia. Last evaluated: 2021-06-14. Review status: criteria provided, single submitter. Criteria: ACMG Guidelines, 2015. Collection method: clinical testing. Allele origin: germline.
Comment: This missense variant replaces phenylalanine with leucine at codon 340 of the KCNH2 protein. Computational prediction is inconclusive regarding the impact of this variant on protein structure and function (internally defined REVEL score threshold 0.5 < inconclusive < 0.7, PMID: 27666373). To our knowledge, functional studies have not been reported for this variant. This variant has not been reported in individuals affected with cardiovascular disorders in the literature. This variant has not been identified in the general population by the Genome Aggregation Database (gnomAD). The available evidence is insufficient to determine the role of this variant in disease conclusively. Therefore, this variant is classified as a Variant of Uncertain Significance.